The following is an entry in ClinVar:

NM_032043.3(BRIP1):c.919-1G>A

Gene: BRIP1 (BRCA1 interacting DNA helicase 1; minus strand). Cytogenetic location: 17q23.2.
Variant type: single nucleotide variant.
Coding change: c.919-1G>A on transcript NM_032043.3 (MANE Select); the canonical splice acceptor site of the intron before coding-DNA position 919, G replaced by A.
Molecular consequence: splice acceptor variant.
Genome position (GRCh38, 1-based): chr17:61,801,475, C>T on the plus strand (G>A on the coding strand, the complement: BRIP1 is on the minus strand). VCF-style: chr17-61801475-C-T. GRCh37 (hg19) VCF-style: chr17-59878836-C-T.
Other names: c.919-1G>A (NM_032043.2).
Identifiers: ClinVar variation 2028056 (VCV002028056.6), dbSNP rs2145343116, ClinGen allele CA400484335.

ClinVar aggregate classification (germline): Likely pathogenic. Review status: criteria provided, multiple submitters, no conflicts (2 of 4 stars). 3 submissions from 3 submitters: Likely pathogenic (3). Last evaluated 2026-08-06.

Conditions:
Hereditary cancer-predisposing syndrome. Also called: Neoplastic Syndromes, Hereditary; Tumor predisposition; Hereditary Cancer Syndrome; Hereditary neoplastic syndrome. Identifiers: Orphanet 140162, MedGen C0027672, MeSH D009386, MONDO:0015356.
Fanconi anemia complementation group J. Also called: BRIP1-Related Fanconi Anemia. Identifiers: Orphanet 84, MedGen C1836860, MONDO:0012187, OMIM 609054.
Familial cancer of breast. Also called: BREAST CANCER, FAMILIAL; Hereditary breast cancer; hereditary breast carcinoma. Identifiers: Orphanet 227535, MedGen C0346153, MONDO:0016419, OMIM 114480. Disease mechanism: loss of function.
Familial ovarian cancer. Identifiers: MedGen C5679802, MONDO:0016248.

Submissions (3):

Myriad Genetics, Inc.
Classification: Likely pathogenic for Familial ovarian cancer. Last evaluated: 2026-08-06. Review status: criteria provided, single submitter. Criteria: Myriad Autosomal Dominant, Autosomal Recessive and X-Linked Classification Criteria (2023). Collection method: clinical testing. Allele origin: unknown.
Comment: This variant is considered likely pathogenic. This variant occurs within a consensus splice junction and is predicted to result in abnormal mRNA splicing of either an out-of-frame exon or an in-frame exon necessary for protein stability and/or normal function.

Ambry Genetics
Classification: Likely pathogenic for Hereditary cancer-predisposing syndrome. Last evaluated: 2025-08-04. Review status: criteria provided, single submitter. Criteria: Ambry Variant Classification Scheme 2023. Collection method: clinical testing. Allele origin: germline.
Comment: The c.919-1G>A intronic variant results from a G to A substitution one nucleotide upstream from coding exon 7 of the BRIP1 gene. This variant is considered to be rare based on population cohorts in the Genome Aggregation Database (gnomAD). This nucleotide position is highly conserved in available vertebrate species. In silico splice site analysis predicts that this alteration will weaken the native splice acceptor site; however, direct evidence is insufficient at this time (Ambry internal data). Alterations that disrupt the canonical splice site are expected to cause aberrant splicing, resulting in an abnormal protein or a transcript that is subject to nonsense-mediated mRNA decay. As such, this alteration is classified as likely pathogenic.

Labcorp Genetics (formerly Invitae), Labcorp
Classification: Likely pathogenic for Familial cancer of breast; Fanconi anemia complementation group J. Last evaluated: 2022-08-31. Review status: criteria provided, single submitter. Criteria: Invitae Variant Classification Sherloc (09022015). Collection method: clinical testing. Allele origin: germline.
Comment: This sequence change affects an acceptor splice site in intron 7 of the BRIP1 gene. It is expected to disrupt RNA splicing. Variants that disrupt the donor or acceptor splice site typically lead to a loss of protein function (PMID: 16199547), and loss-of-function variants in BRIP1 are known to be pathogenic (PMID: 16116423, 17033622, 21964575). In summary, the currently available evidence indicates that the variant is pathogenic, but additional data are needed to prove that conclusively. Therefore, this variant has been classified as Likely Pathogenic. Algorithms developed to predict the effect of sequence changes on RNA splicing suggest that this variant may disrupt the consensus splice site. This variant has not been reported in the literature in individuals affected with BRIP1-related conditions. This variant is not present in population databases (gnomAD no frequency).

Literature cited by the submitters: PubMed 16199547 (cited by Labcorp Genetics (formerly Invitae), Labcorp); PubMed 16116423 (cited by Labcorp Genetics (formerly Invitae), Labcorp); PubMed 17033622 (cited by Labcorp Genetics (formerly Invitae), Labcorp); PubMed 21964575 (cited by Labcorp Genetics (formerly Invitae), Labcorp).